The following is an entry in ClinVar:

NM_001035.3(RYR2):c.12269C>T (p.Pro4090Leu)

Gene: RYR2 (ryanodine receptor 2; plus strand). Cytogenetic location: 1q43.
Variant type: single nucleotide variant.
Coding change: c.12269C>T on transcript NM_001035.3 (MANE Select); coding-DNA position 12269, C replaced by T.
Protein change: p.Pro4090Leu; replaces proline 4090 with leucine.
Molecular consequence: missense variant.
Genome position (GRCh38, 1-based): chr1:237,783,981, C>T. VCF-style: chr1-237783981-C-T. GRCh37 (hg19) VCF-style: chr1-237947281-C-T.
Other names: short protein forms P4090L.
Identifiers: ClinVar variation 1070571 (VCV001070571.10), dbSNP rs2149353116, ClinGen allele CA345412853.

ClinVar aggregate classification (germline): Pathogenic (1 of 4 stars; one submission).

Conditions:
Catecholaminergic polymorphic ventricular tachycardia 1. Also called: VENTRICULAR TACHYCARDIA, STRESS-INDUCED POLYMORPHIC 1; VENTRICULAR TACHYCARDIA, CATECHOLAMINERGIC POLYMORPHIC, 1, WITH OR WITHOUT ATRIAL DYSFUNCTION AND/OR DILATED CARDIOMYOPATHY; RYR2-Related Catecholaminergic Polymorphic Ventricular Tachycardia. Identifiers: Orphanet 3286, MedGen C1631597, MONDO:0011484, OMIM 604772.

Submission:

Labcorp Genetics (formerly Invitae), Labcorp
Classification: Pathogenic for Catecholaminergic polymorphic ventricular tachycardia 1. Last evaluated: 2020-09-02. Review status: criteria provided, single submitter. Criteria: Invitae Variant Classification Sherloc (09022015). Collection method: clinical testing. Allele origin: germline.
Comment: This sequence change replaces proline with leucine at codon 4090 of the RYR2 protein (p.Pro4090Leu). The proline residue is highly conserved and there is a moderate physicochemical difference between proline and leucine. This variant is not present in population databases (ExAC no frequency). For these reasons, this variant has been classified as Pathogenic. Advanced modeling of protein sequence and biophysical properties (such as structural, functional, and spatial information, amino acid conservation, physicochemical variation, residue mobility, and thermodynamic stability) performed at Invitae indicates that this missense variant is expected to disrupt RYR2 protein function. This variant has been observed in individual(s) with clinical features of catecholaminergic polymorphic ventricular tachycardia (Invitae). In at least one individual the variant was observed to be de novo.